The following is an entry in ClinVar:

ClinVar aggregate classification (germline): Uncertain significance. Review status: criteria provided, multiple submitters, no conflicts (2 of 4 stars). 3 submissions from 3 submitters: Uncertain significance (3). Last evaluated 2025-09-05.

gnomAD v4.1: 16 of 1,203,183 alleles (0.0013%); highest among the groups gnomAD compares: Non-Finnish European, 0.0018%; no homozygotes.

Submissions (3):

Women's Health and Genetics/Laboratory Corporation of America, LabCorp
Classification: Uncertain significance. Last evaluated: 2025-09-05. Review status: criteria provided, single submitter. Criteria: LabCorp Variant Classification Summary - May 2015. Collection method: clinical testing. Allele origin: germline.
Comment: Variant summary: OPHN1 c.359G>A (p.Arg120Gln) results in a conservative amino acid change in the encoded protein sequence. Algorithms developed to predict the effect of missense changes on protein structure and function are either unavailable or do not agree on the potential impact of this missense change. The variant allele was found at a frequency of 5.5e-06 in 182778 control chromosomes. The available data on variant occurrences in the general population are insufficient to allow any conclusion about variant significance. To our knowledge, no occurrence of c.359G>A in individuals affected with OPHN1-related conditions and no experimental evidence demonstrating its impact on protein function have been reported. No submitters have cited clinical-significance assessments for this variant to ClinVar. Based on the evidence outlined above, the variant was classified as uncertain significance.

Labcorp Genetics (formerly Invitae), Labcorp
Classification: Uncertain significance. Last evaluated: 2025-09-04. Review status: criteria provided, single submitter. Criteria: Invitae Variant Classification Sherloc (09022015). Collection method: clinical testing. Allele origin: germline.
Comment: This sequence change replaces arginine, which is basic and polar, with glutamine, which is neutral and polar, at codon 120 of the OPHN1 protein (p.Arg120Gln). This variant is not present in population databases (gnomAD no frequency). This variant has not been reported in the literature in individuals affected with OPHN1-related conditions. An algorithm developed to predict the effect of missense changes on protein structure and function (PolyPhen-2) suggests that this variant is likely to be disruptive. In summary, the available evidence is currently insufficient to determine the role of this variant in disease. Therefore, it has been classified as a Variant of Uncertain Significance.

Blueprint Genetics
Classification: Uncertain significance. Last evaluated: 2022-07-08. Review status: criteria provided, single submitter. Criteria: ACMG Guidelines, 2015. Collection method: clinical testing. Allele origin: germline.

NM_002547.3(OPHN1):c.359G>A (p.Arg120Gln)

Gene: OPHN1 (oligophrenin 1; minus strand). Cytogenetic location: Xq12.
Variant type: single nucleotide variant.
Coding change: c.359G>A on transcript NM_002547.3 (MANE Select); coding-DNA position 359, G replaced by A.
Protein change: p.Arg120Gln; replaces arginine 120 with glutamine.
Molecular consequence: missense variant.
Genome position (GRCh38, 1-based): chrX:68,274,763, C>T on the plus strand (G>A on the coding strand, the complement: OPHN1 is on the minus strand). VCF-style: chrX-68274763-C-T. GRCh37 (hg19) VCF-style: chrX-67494605-C-T.
Other names: c.359G>A, p.Arg120Gln (NM_001437258.1); short protein forms R120Q.
Identifiers: ClinVar variation 4535728 (VCV004535728.3).